The following is an entry in ClinVar:

NM_213599.3(ANO5):c.396G>C (p.Lys132Asn)

Gene: ANO5 (anoctamin 5; plus strand). Cytogenetic location: 11p14.3.
Variant type: single nucleotide variant.
Coding change: c.396G>C on transcript NM_213599.3 (MANE Select); coding-DNA position 396, G replaced by C.
Protein change: p.Lys132Asn; replaces lysine 132 with asparagine.
Molecular consequence: missense variant.
Genome position (GRCh38, 1-based): chr11:22,227,334, G>C. VCF-style: chr11-22227334-G-C. GRCh37 (hg19) VCF-style: chr11-22248880-G-C.
Other names: c.393G>C, p.Lys131Asn (NM_001142649.2); short protein forms K131N, K132N.
Identifiers: ClinVar variation 1002707 (VCV001002707.12), dbSNP rs375867377, ClinGen allele CA379919374.
Genomic context (GRCh38, chr11:22,227,334, plus strand): 5'-CTGCTGTTTTGCCTTTTTTTTAATGCAGGACTCGGAAGATGGAAGAACTTATTTTGTCAA[G>C]ATCCATGCCCCTTGGGAGGTATTAGTTACCTATGCTGAAGTCTTGGGAATCAAAATGCCT-3'
Protein context (NP_998764.1, residues 122-142): DSEDGRTYFV[Lys132Asn]IHAPWEVLVT

ClinVar aggregate classification (germline): Likely pathogenic (1 of 4 stars; one submission).

Conditions:
Autosomal recessive limb-girdle muscular dystrophy type 2L (LGMDR12). Also called: MUSCULAR DYSTROPHY, LIMB-GIRDLE, AUTOSOMAL RECESSIVE 12; Limb-Girdle Muscular Dystrophy R12 Anoctamin-5-Related (LGMD-R12); Limb-girdle muscular dystrophy, type 2L. Identifiers: Orphanet 206549, MedGen C1969785, MONDO:0012652, OMIM 611307.
Gnathodiaphyseal dysplasia (GDD). Also called: GNATHODIAPHYSEAL SCLEROSIS; OSTEOGENESIS IMPERFECTA WITH UNUSUAL SKELETAL LESIONS. Identifiers: Orphanet 53697, MedGen C1833736, MONDO:0008151, OMIM 166260.

Submission:

Labcorp Genetics (formerly Invitae), Labcorp
Classification: Likely pathogenic for Autosomal recessive limb-girdle muscular dystrophy type 2L; Gnathodiaphyseal dysplasia. Last evaluated: 2022-06-20. Review status: criteria provided, single submitter. Criteria: Invitae Variant Classification Sherloc (09022015). Collection method: clinical testing. Allele origin: germline.
Comment: Advanced modeling of protein sequence and biophysical properties (such as structural, functional, and spatial information, amino acid conservation, physicochemical variation, residue mobility, and thermodynamic stability) performed at Invitae indicates that this missense variant is expected to disrupt ANO5 protein function. ClinVar contains an entry for this variant (Variation ID: 1002707). This variant has not been reported in the literature in individuals affected with ANO5-related conditions. This variant is not present in population databases (gnomAD no frequency). This sequence change replaces lysine, which is basic and polar, with asparagine, which is neutral and polar, at codon 132 of the ANO5 protein (p.Lys132Asn). This variant disrupts the p.Lys132 amino acid residue in ANO5. Other variant(s) that disrupt this residue have been determined to be pathogenic (PMID: 31395899; Invitae). This suggests that this residue is clinically significant, and that variants that disrupt this residue are likely to be disease-causing. In summary, the currently available evidence indicates that the variant is pathogenic, but additional data are needed to prove that conclusively. Therefore, this variant has been classified as Likely Pathogenic.

Literature cited by the submitters: PubMed 31395899.